The following is an entry in ClinVar:

NM_052874.5(STX1B):c.142G>C (p.Glu48Gln)

Gene: STX1B (syntaxin 1B; minus strand). Cytogenetic location: 16p11.2.
Variant type: single nucleotide variant.
Coding change: c.142G>C on transcript NM_052874.5 (MANE Select); coding-DNA position 142, G replaced by C.
Protein change: p.Glu48Gln; replaces glutamic acid 48 with glutamine.
Molecular consequence: missense variant.
Genome position (GRCh38, 1-based): chr16:31,001,157, C>G on the plus strand (G>C on the coding strand, the complement: STX1B is on the minus strand). VCF-style: chr16-31001157-C-G. GRCh37 (hg19) VCF-style: chr16-31012478-C-G.
Other names: short protein forms E48Q.
Identifiers: ClinVar variation 2087125 (VCV002087125.4), dbSNP rs1223656803, ClinGen allele CA395651625.

ClinVar aggregate classification (germline): Uncertain significance (1 of 4 stars; one submission).

Conditions:
Generalized epilepsy with febrile seizures plus, type 9 (GEFSP9). Also called: GEFS+, TYPE 9. Identifiers: Orphanet 36387, MedGen C4015395, MONDO:0014517, OMIM 616172.

Allele frequency attached by ClinVar (database versions not stated): gnomAD 0.00001; TOPMed 0.00001.
gnomAD v4.1: 1 of 1,613,996 alleles (0.000062%); highest among the groups gnomAD compares: African/African-American, 0.0013%; no homozygotes.

Submission:

Labcorp Genetics (formerly Invitae), Labcorp
Classification: Uncertain significance for Generalized epilepsy with febrile seizures plus, type 9. Last evaluated: 2024-02-05. Review status: criteria provided, single submitter. Criteria: Invitae Variant Classification Sherloc (09022015). Collection method: clinical testing. Allele origin: germline.
Comment: This sequence change replaces glutamic acid, which is acidic and polar, with glutamine, which is neutral and polar, at codon 48 of the STX1B protein (p.Glu48Gln). This variant is present in population databases (no rsID available, gnomAD 0.01%). This variant has not been reported in the literature in individuals affected with STX1B-related conditions. ClinVar contains an entry for this variant (Variation ID: 2087125). Advanced modeling of protein sequence and biophysical properties (such as structural, functional, and spatial information, amino acid conservation, physicochemical variation, residue mobility, and thermodynamic stability) performed at Invitae indicates that this missense variant is not expected to disrupt STX1B protein function with a negative predictive value of 80%. In summary, the available evidence is currently insufficient to determine the role of this variant in disease. Therefore, it has been classified as a Variant of Uncertain Significance.